The following is an entry in ClinVar:

ClinVar aggregate classification (germline): Uncertain significance (1 of 4 stars; one submission).

Conditions:
Hereditary cancer-predisposing syndrome. Also called: Neoplastic Syndromes, Hereditary; Tumor predisposition; Hereditary Cancer Syndrome; Hereditary neoplastic syndrome. Identifiers: Orphanet 140162, MedGen C0027672, MeSH D009386, MONDO:0015356.

Submission:

Ambry Genetics
Classification: Uncertain significance for Hereditary cancer-predisposing syndrome. Last evaluated: 2026-05-14. Review status: criteria provided, single submitter. Criteria: Ambry Variant Classification Scheme 2023. Collection method: clinical testing. Allele origin: germline.
Comment: The p.S11T variant (also known as c.32G>C), located in coding exon 1 of the MAX gene, results from a G to C substitution at nucleotide position 32. The serine at codon 11 is replaced by threonine, an amino acid with similar properties. This amino acid position is conserved. In addition, the in silico prediction for this alteration is inconclusive. Based on the available evidence, the clinical significance of this variant remains unclear.

NM_002382.5(MAX):c.32G>C (p.Ser11Thr)

Genes: MAX (MYC associated transcriptional regulator X; minus strand), LOC130055850 (ATAC-STARR-seq lymphoblastoid silent region 5847; plus strand). Cytogenetic location: 14q23.3.
Variant type: single nucleotide variant.
Coding change: c.32G>C on transcript NM_002382.5 (MANE Select); coding-DNA position 32, G replaced by C.
Protein change: p.Ser11Thr; replaces serine 11 with threonine.
Molecular consequence: missense variant. On other transcripts: 5 prime UTR variant (2), intron variant (2).
Genome position (GRCh38, 1-based): chr14:65,102,308, C>G on the plus strand (G>C on the coding strand, the complement: MAX is on the minus strand). VCF-style: chr14-65102308-C-G. GRCh37 (hg19) VCF-style: chr14-65569026-C-G.
Other names: c.32G>C, p.Ser11Thr (NM_001271068.2, NM_001271069.2, NM_001407094.1 and 18 more transcripts); c.-243G>C (NM_001320415.2); c.-216G>C (NM_001407107.1); c.-305+201G>C (NM_001407112.1); c.-239+201G>C (NM_001407106.1); short protein forms S11T.
Identifiers: ClinVar variation 4859549 (VCV004859549.1).
Genomic context (GRCh38, chr14:65,102,308, plus strand): 5'-CGGCCGCTGTCCCCGCCTGACAACCCGCACGGGAAGGAAGAAGCCCCAGGACTCACGTCG[C>G]TCTCCACCTCGATGTCATCGTTATCGCTCATTTCCTACGGCCCAGGGAGCGGCCACTGCA-3'
Protein context (NP_002373.3, residues 1-21): MSDNDDIEVE[Ser11Thr]DEEQPRFQSA